The following is an entry in ClinVar:

ClinVar aggregate classification (germline): Uncertain significance (1 of 4 stars; one submission).

gnomAD v4.1: 5 of 1,613,588 alleles (0.00031%); highest among the groups gnomAD compares: Non-Finnish European, 0.00042%; no homozygotes.

Submission:

Labcorp Genetics (formerly Invitae), Labcorp
Classification: Uncertain significance. Last evaluated: 2025-03-30. Review status: criteria provided, single submitter. Criteria: Invitae Variant Classification Sherloc (09022015). Collection method: clinical testing. Allele origin: germline.
Comment: This sequence change replaces valine, which is neutral and non-polar, with phenylalanine, which is neutral and non-polar, at codon 579 of the CFH protein (p.Val579Phe). This variant is present in population databases (rs532344479, gnomAD 0.002%). This variant has not been reported in the literature in individuals affected with CFH-related conditions. An algorithm developed to predict the effect of missense changes on protein structure and function (PolyPhen-2) suggests that this variant is likely to be tolerated. In summary, the available evidence is currently insufficient to determine the role of this variant in disease. Therefore, it has been classified as a Variant of Uncertain Significance.

NM_000186.4(CFH):c.1735G>T (p.Val579Phe)

Gene: CFH (complement factor H; plus strand). Cytogenetic location: 1q31.3.
Variant type: single nucleotide variant.
Coding change: c.1735G>T on transcript NM_000186.4 (MANE Select); coding-DNA position 1735, G replaced by T.
Protein change: p.Val579Phe; replaces valine 579 with phenylalanine.
Molecular consequence: missense variant.
Genome position (GRCh38, 1-based): chr1:196,725,159, G>T. VCF-style: chr1-196725159-G-T. GRCh37 (hg19) VCF-style: chr1-196694289-G-T.
Other names: short protein forms V579F.
Identifiers: ClinVar variation 4751537 (VCV004751537.1).